The following is an entry in ClinVar:

ClinVar aggregate classification (germline): Benign/Likely benign. Review status: criteria provided, multiple submitters, no conflicts (2 of 4 stars). 2 submissions from 2 submitters: Benign (1); Likely benign (1). Last evaluated 2024-09-03.

Conditions:
Familial cancer of breast. Also called: Hereditary breast cancer; BREAST CANCER, FAMILIAL; hereditary breast carcinoma. Identifiers: Orphanet 227535, MedGen C0346153, MONDO:0016419, OMIM 114480. Disease mechanism: loss of function.
Fanconi anemia complementation group J. Also called: BRIP1-Related Fanconi Anemia. Identifiers: Orphanet 84, MedGen C1836860, MONDO:0012187, OMIM 609054.

Submissions (2):

Myriad Genetics, Inc.
Classification: Benign for Familial cancer of breast. Last evaluated: 2024-09-03. Review status: criteria provided, single submitter. Criteria: Myriad Autosomal Dominant, Autosomal Recessive and X-Linked Classification Criteria (2023). Collection method: clinical testing. Allele origin: unknown.
Comment: This variant is considered benign. This variant is a silent/synonymous amino acid change and it is not expected to impact splicing.

Labcorp Genetics (formerly Invitae), Labcorp
Classification: Likely benign for Familial cancer of breast; Fanconi anemia complementation group J. Last evaluated: 2019-09-24. Review status: criteria provided, single submitter. Criteria: Invitae Variant Classification Sherloc (09022015). Collection method: clinical testing. Allele origin: germline.

NM_032043.3(BRIP1):c.2079T>C (p.Cys693=)

Gene: BRIP1 (BRCA1 interacting DNA helicase 1; minus strand). Cytogenetic location: 17q23.2.
Variant type: single nucleotide variant.
Coding change: c.2079T>C on transcript NM_032043.3 (MANE Select); coding-DNA position 2079, T replaced by C.
Protein change: p.Cys693=; no amino-acid change (cysteine 693 retained).
Molecular consequence: synonymous variant.
Genome position (GRCh38, 1-based): chr17:61,776,419, A>G on the plus strand (T>C on the coding strand, the complement: BRIP1 is on the minus strand). VCF-style: chr17-61776419-A-G. GRCh37 (hg19) VCF-style: chr17-59853780-A-G.
Identifiers: ClinVar variation 1124377 (VCV001124377.11), dbSNP rs2145026472, ClinGen allele CA501150129.
Genomic context (GRCh38, chr17:61,776,419, plus strand): 5'-ATGATTATTTAAAGGCAAAAGAAACAATAAATATTCCCTTACCTTGTAAGATGGCAAGAA[A>G]CACAAAATTCCTTGGCTCACAGTCTGGCACACAGATAACAAAAGTGCTCCCACTTCATCT-3'
Protein context (NP_114432.2, residues 683-703): VCQTVSQGIL[Cys693=]FLPSYKLLEK